The following is an entry in ClinVar:

NM_032608.7(MYO18B):c.5869C>T (p.Gln1957Ter)

Gene: MYO18B (myosin XVIIIB; plus strand). Cytogenetic location: 22q12.1.
Variant type: single nucleotide variant.
Coding change: c.5869C>T on transcript NM_032608.7 (MANE Select); coding-DNA position 5869, C replaced by T.
Protein change: p.Gln1957Ter; replaces glutamine 1957 with a stop codon.
Molecular consequence: nonsense.
Genome position (GRCh38, 1-based): chr22:25,952,322, C>T. VCF-style: chr22-25952322-C-T. GRCh37 (hg19) VCF-style: chr22-26348288-C-T.
Other names: c.5872C>T, p.Gln1958Ter (NM_001318245.2); short protein forms Q1958*, Q1957*.
Identifiers: ClinVar variation 1405809 (VCV001405809.6), dbSNP rs1324080523, ClinGen allele CA411008631.

ClinVar aggregate classification (germline): Pathogenic (1 of 4 stars; one submission).

Allele frequency attached by ClinVar (database versions not stated): gnomAD exomes below 0.00001.
gnomAD v4.1: 2 of 1,611,638 alleles (0.00012%); highest among the groups gnomAD compares: Non-Finnish European, 0.00017%; no homozygotes.

Submission:

Labcorp Genetics (formerly Invitae), Labcorp
Classification: Pathogenic. Last evaluated: 2025-12-15. Review status: criteria provided, single submitter. Criteria: Invitae Variant Classification Sherloc (09022015). Collection method: clinical testing. Allele origin: germline.
Comment: This sequence change creates a premature translational stop signal (p.Gln1957*) in the MYO18B gene. It is expected to result in an absent or disrupted protein product. Loss-of-function variants in MYO18B are known to be pathogenic (PMID: 25748484, 32184166, 32637634). This variant is not present in population databases (gnomAD no frequency). This variant has not been reported in the literature in individuals affected with MYO18B-related conditions. ClinVar contains an entry for this variant (Variation ID: 1405809). For these reasons, this variant has been classified as Pathogenic.

Literature cited by the submitters: PubMed 25748484; PubMed 32184166; PubMed 32637634.